The following is an entry in ClinVar:

NM_005876.5(SPEG):c.6697del (p.Gln2233fs)

Genes: ASIC4-AS1 (ASIC4 antisense RNA 1; minus strand), SPEG (striated muscle enriched protein kinase; plus strand). Cytogenetic location: 2q35.
Variant type: Deletion.
Coding change: c.6697del on transcript NM_005876.5 (MANE Select); coding-DNA position 6697, one base deleted (C; older notation c.6697delC).
Protein change: p.Gln2233fs; shifts the reading frame from glutamine 2233.
Molecular consequence: frameshift variant.
Genome position (GRCh38, 1-based): chr2:219,484,160, C deleted; the last of 7 consecutive C bases (chr2:219,484,154-219,484,160); deleting any one gives the same sequence. VCF-style (leftmost placement, unchanged base first): chr2-219484153-AC-A. GRCh37 (hg19) VCF-style: chr2-220348875-AC-A.
Other names: short protein forms Q2233fs.
Identifiers: ClinVar variation 2034983 (VCV002034983.4), dbSNP rs752907815, ClinGen allele CA65991405.

ClinVar aggregate classification (germline): Pathogenic (1 of 4 stars; one submission).

Submission:

Labcorp Genetics (formerly Invitae), Labcorp
Classification: Pathogenic. Last evaluated: 2021-12-06. Review status: criteria provided, single submitter. Criteria: Invitae Variant Classification Sherloc (09022015). Collection method: clinical testing. Allele origin: germline.
Comment: This sequence change creates a premature translational stop signal (p.Gln2233Argfs*6) in the SPEG gene. It is expected to result in an absent or disrupted protein product. Loss-of-function variants in SPEG are known to be pathogenic (PMID: 19118250, 25087613). This variant is not present in population databases (gnomAD no frequency). This variant has not been reported in the literature in individuals affected with SPEG-related conditions. For these reasons, this variant has been classified as Pathogenic.

Literature cited by the submitters: PubMed 19118250; PubMed 25087613.